The following is an entry in ClinVar:

ClinVar aggregate classification (germline): Uncertain significance (1 of 4 stars; one submission).

gnomAD v4.1: 4 of 1,599,860 alleles (0.00025%); highest among the groups gnomAD compares: East Asian, 0.0067%; no homozygotes.

Submission:

Women's Health and Genetics/Laboratory Corporation of America, LabCorp
Classification: Uncertain significance. Last evaluated: 2025-01-09. Review status: criteria provided, single submitter. Criteria: LabCorp Variant Classification Summary - May 2015. Collection method: clinical testing. Allele origin: germline.
Comment: Variant summary: POLRMT c.1964G>C (p.Trp655Ser) results in a non-conservative amino acid change located in the DNA-directed RNA polymerase N-terminal (IPR029262) of the encoded protein sequence. Five of five in-silico tools predict a damaging effect of the variant on protein function. The variant allele was found at a frequency of 8.5e-06 in 235878 control chromosomes. The available data on variant occurrences in the general population are insufficient to allow any conclusion about variant significance. To our knowledge, no occurrence of c.1964G>C in individuals affected with Combined Oxidative Phosphorylation Deficiency 55 and no experimental evidence demonstrating its impact on protein function have been reported. No submitters have cited clinical-significance assessments for this variant to ClinVar. Based on the evidence outlined above, the variant was classified as uncertain significance.

NM_005035.4(POLRMT):c.1964G>C (p.Trp655Ser)

Gene: POLRMT (RNA polymerase mitochondrial; minus strand). Cytogenetic location: 19p13.3.
Variant type: single nucleotide variant.
Coding change: c.1964G>C on transcript NM_005035.4 (MANE Select); coding-DNA position 1964, G replaced by C.
Protein change: p.Trp655Ser; replaces tryptophan 655 with serine.
Molecular consequence: missense variant. On other transcripts: non-coding transcript variant (1).
Genome position (GRCh38, 1-based): chr19:621,734, C>G on the plus strand (G>C on the coding strand, the complement: POLRMT is on the minus strand). VCF-style: chr19-621734-C-G. GRCh37 (hg19) VCF-style: chr19-621734-C-G.
Other names: c.1964G>C, p.Trp655Ser (NM_001407805.1, NM_001407808.1, NM_001407812.1 and 4 more transcripts); c.1955G>C, p.Trp652Ser (NM_001407806.1, NM_001407809.1); c.1952G>C, p.Trp651Ser (NM_001407807.1, NM_001407810.1); c.1922G>C, p.Trp641Ser (NM_001407811.1, NM_001407813.1); c.1739G>C, p.Trp580Ser (NM_001407830.1, NM_001407832.1); c.1640G>C, p.Trp547Ser (NM_001407831.1, NM_001407833.1, NM_001407835.1 and 1 more transcripts); c.1631G>C, p.Trp544Ser (NM_001407834.1); short protein forms W544S, W547S, W580S, W641S, W651S, W652S, W655S.
Identifiers: ClinVar variation 3769183 (VCV003769183.2).
Genomic context (GRCh38, chr19:621,734, plus strand): 5'-TCCACCGTGCGCATCAGCTTGGTGGGGCTGAGCAGGAAAGCACCAGAGTGCGGCGATGTC[C>G]AGGGCAGCGGGGGGCAAAGCATGGGTACATCCACCGCCTCGAAGGTCAGCGTGGGCTCCG-3'
Protein context (NP_005026.3, residues 645-665): DVPMLCPPLP[Trp655Ser]TSPHSGAFLL